The following is an entry in ClinVar:

NM_016938.5(EFEMP2):c.990G>A (p.Pro330=)

Gene: EFEMP2 (EGF-like fibulin extracellular matrix protein 2; minus strand). Cytogenetic location: 11q13.1.
Variant type: single nucleotide variant.
Coding change: c.990G>A on transcript NM_016938.5 (MANE Select); coding-DNA position 990, G replaced by A.
Protein change: p.Pro330=; no amino-acid change (proline 330 retained).
Molecular consequence: synonymous variant. On other transcripts: non-coding transcript variant (1).
Genome position (GRCh38, 1-based): chr11:65,868,041, C>T on the plus strand (G>A on the coding strand, the complement: EFEMP2 is on the minus strand). VCF-style: chr11-65868041-C-T. GRCh37 (hg19) VCF-style: chr11-65635512-C-T.
Other names: p.Pro330=.
Identifiers: ClinVar variation 472834 (VCV000472834.29), dbSNP rs61740381, ClinGen allele CA6110439.

ClinVar aggregate classification (germline): Conflicting classifications of pathogenicity. Review status: criteria provided, conflicting classifications (1 of 4 stars). 6 submissions from 6 submitters: Uncertain significance (2); Benign (3); Likely benign (1). Last evaluated 2026-01-11.

Conditions:
Cardiovascular phenotype. Identifiers: MedGen CN230736.
Cutis laxa, autosomal recessive, type 1B (ARCL1B). Also called: EFEMP2-Related Cutis Laxa; CUTIS LAXA, AUTOSOMAL RECESSIVE, TYPE IB. Identifiers: Orphanet 90349, MedGen C3280798, MONDO:0013754, OMIM 614437. Disease mechanism: loss of function.

Allele frequency attached by ClinVar (database versions not stated): ExAC 0.00026; gnomAD exomes 0.00029; 1000 Genomes Project 30x 0.00062; 1000 Genomes Project 0.00080; gnomAD 0.00094 and 0.00098; TOPMed 0.00097; ESP Exome Variant Server 0.00100.
gnomAD v4.1: 271 of 1,613,722 alleles (0.017%); highest among the groups gnomAD compares: African/African-American, 0.26%; 2 homozygotes.

Submissions (8):

Labcorp Genetics (formerly Invitae), Labcorp
Classification: Benign for Cutis laxa, autosomal recessive, type 1B. Last evaluated: 2026-01-11. Review status: criteria provided, single submitter. Criteria: Invitae Variant Classification Sherloc (09022015). Collection method: clinical testing. Allele origin: germline.

Women's Health and Genetics/Laboratory Corporation of America, LabCorp
Classification: Benign. Last evaluated: 2025-12-23. Review status: criteria provided, single submitter. Criteria: LabCorp Variant Classification Summary - May 2015. Collection method: clinical testing. Allele origin: germline.
Comment: Variant summary: EFEMP2 c.990G>A alters a non-conserved nucleotide resulting in a synonymous change. Several computational tools predict a significant impact on normal splicing: Four predict the variant creates a 3' acceptor site. One predict the variant no significant impact on splicing. However, these predictions have yet to be confirmed by functional studies. The variant allele was found at a frequency of 0.00029 in 250474 control chromosomes, predominantly at a frequency of 0.0028 within the African or African-American subpopulation in the gnomAD database. The observed variant frequency within African or African-American control individuals in the gnomAD database exceeds the estimated maximal expected allele frequency for disease-causing variants in EFEMP2. To our knowledge, no occurrence of c.990G>A in individuals affected with EFEMP2-related conditions and no experimental evidence demonstrating its impact on protein function have been reported. ClinVar contains an entry for this variant (Variation ID: 472834). Based on the evidence outlined above, the variant was classified as benign.

CeGaT Center for Human Genetics Tuebingen
Classification: Likely benign. Last evaluated: 2025-06-01. Review status: criteria provided, single submitter. Criteria: CeGaT Center For Human Genetics Tuebingen Variant Classification Criteria Version 2. Collection method: clinical testing. Allele origin: germline. Affected: yes. Observed: 1 variant allele.
Comment: EFEMP2: PP3, BS2

GeneDx
Classification: Uncertain significance. Last evaluated: 2024-04-22. Review status: criteria provided, single submitter. Criteria: GeneDx Variant Classification Process June 2021. Collection method: clinical testing. Allele origin: germline. Affected: yes.
Comment: Has not been previously published as pathogenic or benign to our knowledge; In silico analysis supports that this missense variant has a deleterious effect on protein structure/function

Mayo Clinic Laboratories, Mayo Clinic
Classification: Uncertain significance. Last evaluated: 2023-05-04. Review status: criteria provided, single submitter. Criteria: ACMG Guidelines, 2015. Collection method: clinical testing. Allele origin: germline. Observed: 2 variant alleles.
Comment: BS1, PP3

Ambry Genetics
Classification: Benign for Cardiovascular phenotype. Last evaluated: 2020-12-28. Review status: criteria provided, single submitter. Criteria: Ambry Variant Classification Scheme 2023. Collection method: clinical testing. Allele origin: germline.

Dr. Peter K. Rogan Lab, Western University
No classification provided (evidence only). Condition: Ovarian serous cystadenocarcinoma. Review status: no classification provided. Collection method: in vitro. Allele origin: not applicable. Functional consequence: retained intron. Not counted in ClinVar's aggregate classification.

Dr. Peter K. Rogan Lab, Western University
No classification provided (evidence only). Condition: Ovarian serous cystadenocarcinoma. Review status: no classification provided. Collection method: in vitro. Allele origin: not applicable. Functional consequence: retained intron. Not counted in ClinVar's aggregate classification.